The following is an entry in ClinVar:

NM_001387220.1(IKZF2):c.659A>G (p.Asn220Ser)

Gene: IKZF2 (IKAROS family zinc finger 2; minus strand). Cytogenetic location: 2q34.
Variant type: single nucleotide variant.
Coding change: c.659A>G on transcript NM_001387220.1 (MANE Select); coding-DNA position 659, A replaced by G.
Protein change: p.Asn220Ser; replaces asparagine 220 with serine.
Molecular consequence: missense variant.
Genome position (GRCh38, 1-based): chr2:213,022,046, T>C on the plus strand (A>G on the coding strand, the complement: IKZF2 is on the minus strand). VCF-style: chr2-213022046-T-C. GRCh37 (hg19) VCF-style: chr2-213886770-T-C.
Other names: c.581A>G, p.Asn194Ser (NM_001079526.2, NM_001371275.1, NM_001371276.1); c.659A>G, p.Asn220Ser (NM_001371274.1, NM_016260.3); c.578A>G, p.Asn193Ser (NM_001371277.1); short protein forms N193S, N194S, N220S.
Identifiers: ClinVar variation 4847932 (VCV004847932.1).

ClinVar aggregate classification (germline): Uncertain significance (1 of 4 stars; one submission).

gnomAD v4.1: 31 of 1,613,924 alleles (0.0019%); highest among the groups gnomAD compares: South Asian, 0.022%; no homozygotes.

Submission:

Women's Health and Genetics/Laboratory Corporation of America, LabCorp
Classification: Uncertain significance. Last evaluated: 2026-02-10. Review status: criteria provided, single submitter. Criteria: LabCorp Variant Classification Summary - May 2015. Collection method: clinical testing. Allele origin: germline.
Comment: Variant summary: IKZF2 c.581A>G (p.Asn194Ser) results in a conservative amino acid change in the encoded protein sequence. Algorithms developed to predict the effect of missense changes on protein structure and function are either unavailable or do not agree on the potential impact of this missense change. The variant allele was found at a frequency of 4.4e-05 in 250878 control chromosomes. This frequency is not significantly higher than estimated for disease-causing variants in IKZF2, allowing no conclusion about variant significance. c.581A>G has been observed in individual(s) affected with Evans syndrome (Hadjadj_2019, Shahin_2021). These report(s) do not provide unequivocal conclusions about association of the variant with HELIOS deficiency. At least one publication reports experimental evidence evaluating an impact on protein function. These results showed no damaging effect of this variant in HEK293 cells (Shahin_2021). The following publications have been ascertained in the context of this evaluation (PMID: 30940614, 34920454). No submitters have cited clinical-significance assessments for this variant to ClinVar. Based on the evidence outlined above, the variant was classified as uncertain significance.

Literature cited by the submitters: PubMed 30940614; PubMed 34920454.